The following is an entry in ClinVar:

NM_020461.4(TUBGCP6):c.4466C>T (p.Thr1489Met)

Gene: TUBGCP6 (tubulin gamma complex component 6; minus strand). Cytogenetic location: 22q13.33.
Variant type: single nucleotide variant.
Coding change: c.4466C>T on transcript NM_020461.4 (MANE Select); coding-DNA position 4466, C replaced by T.
Protein change: p.Thr1489Met; replaces threonine 1489 with methionine.
Molecular consequence: missense variant.
Genome position (GRCh38, 1-based): chr22:50,219,306, G>A on the plus strand (C>T on the coding strand, the complement: TUBGCP6 is on the minus strand). VCF-style: chr22-50219306-G-A. GRCh37 (hg19) VCF-style: chr22-50657735-G-A.
Other names: short protein forms T1489M.
Identifiers: ClinVar variation 853667 (VCV000853667.25), dbSNP rs759472637, ClinGen allele CA10307503.
Genomic context (GRCh38, chr22:50,219,306, plus strand): 5'-CGGGCTGGGTGGGCAGACTGGCGCAGGGGCAGGGGCACTCACTGGGCGGCCAGCGGTGCC[G>A]TGATGGAGCGCTTCATGAGCACGGGCAGCGTCAGCAACTCGCTCAGCTGCACAGCAGTCT-3'
Protein context (NP_065194.3, residues 1479-1499): TLPVLMKRSI[Thr1489Met]APLAAHISLV

ClinVar aggregate classification (germline): Uncertain significance. Review status: criteria provided, multiple submitters, no conflicts (2 of 4 stars). 2 submissions from 2 submitters: Uncertain significance (2). Last evaluated 2024-03-01.

Allele frequency attached by ClinVar (database versions not stated): ExAC 0.00001; gnomAD 0.00003; gnomAD exomes 0.00004 and 0.00007; TOPMed 0.00006.
gnomAD v4.1: 104 of 1,603,832 alleles (0.0065%); highest among the groups gnomAD compares: Middle Eastern, 0.017%; 1 homozygote.

Submissions (2):

CeGaT Center for Human Genetics Tuebingen
Classification: Uncertain significance. Last evaluated: 2024-03-01. Review status: criteria provided, single submitter. Criteria: CeGaT Center For Human Genetics Tuebingen Variant Classification Criteria Version 2. Collection method: clinical testing. Allele origin: germline. Affected: yes. Observed: 1 variant allele.
Comment: TUBGCP6: PM2, BP4

Labcorp Genetics (formerly Invitae), Labcorp
Classification: Uncertain significance. Last evaluated: 2022-11-01. Review status: criteria provided, single submitter. Criteria: Invitae Variant Classification Sherloc (09022015). Collection method: clinical testing. Allele origin: germline.
Comment: This sequence change replaces threonine, which is neutral and polar, with methionine, which is neutral and non-polar, at codon 1489 of the TUBGCP6 protein (p.Thr1489Met). This variant is present in population databases (rs759472637, gnomAD 0.008%), including at least one homozygous and/or hemizygous individual. This variant has not been reported in the literature in individuals affected with TUBGCP6-related conditions. ClinVar contains an entry for this variant (Variation ID: 853667). Algorithms developed to predict the effect of missense changes on protein structure and function output the following: SIFT: "Tolerated"; PolyPhen-2: "Possibly Damaging"; Align-GVGD: "Class C0". The methionine amino acid residue is found in multiple mammalian species, which suggests that this missense change does not adversely affect protein function. In summary, the available evidence is currently insufficient to determine the role of this variant in disease. Therefore, it has been classified as a Variant of Uncertain Significance.